The following is an entry in ClinVar:

ClinVar aggregate classification (germline): Uncertain significance. Review status: criteria provided, single submitter (1 of 4 stars). 2 submissions from 1 submitter: Uncertain significance (2). Last evaluated 2021-09-16.

Conditions:
Catecholaminergic polymorphic ventricular tachycardia 1. Also called: VENTRICULAR TACHYCARDIA, CATECHOLAMINERGIC POLYMORPHIC, 1, WITH OR WITHOUT ATRIAL DYSFUNCTION AND/OR DILATED CARDIOMYOPATHY; VENTRICULAR TACHYCARDIA, STRESS-INDUCED POLYMORPHIC 1; RYR2-Related Catecholaminergic Polymorphic Ventricular Tachycardia. Identifiers: Orphanet 3286, MedGen C1631597, MONDO:0011484, OMIM 604772.
Dilated cardiomyopathy 1AA (CMD1AA). Also called: Cardiomyopathy, dilated, 1AA, with or without LVNC; CARDIOMYOPATHY, DILATED, 1AA, WITH OR WITHOUT LEFT VENTRICULAR NONCOMPACTION; CARDIOMYOPATHY, FAMILIAL HYPERTROPHIC, 23, WITH OR WITHOUT LEFT VENTRICULAR NONCOMPACTION. Identifiers: Orphanet 154, MedGen C2677338, MONDO:0012808, OMIM 612158.
Primary familial hypertrophic cardiomyopathy (HCM). Identifiers: Orphanet 99739, MedGen C0949658, MeSH D024741, MONDO:0024573. Inheritance: Various modes of inheritance.

Submissions (2):

Labcorp Genetics (formerly Invitae), Labcorp
Classification: Uncertain significance for Catecholaminergic polymorphic ventricular tachycardia 1. Last evaluated: 2021-09-16. Review status: criteria provided, single submitter. Criteria: Invitae Variant Classification Sherloc (09022015). Collection method: clinical testing. Allele origin: germline.
Comment: This variant results in a copy number gain of the genomic region encompassing exon(s) 1-10 of the RYR2 gene. This region includes the initiator codon of the gene. This copy number gain extends beyond the assayed region for this gene and therefore may encompass additional genes. As the precise location of this event is unknown, it may be in tandem or it may be located elsewhere in the genome. This variant has not been reported in the literature in individuals affected with RYR2-related conditions. Experimental studies and prediction algorithms are not available or were not evaluated, and the functional significance of this variant is currently unknown. In summary, the available evidence is currently insufficient to determine the role of this variant in disease. Therefore, it has been classified as a Variant of Uncertain Significance.

Labcorp Genetics (formerly Invitae), Labcorp
Classification: Uncertain significance for Primary familial hypertrophic cardiomyopathy; Dilated cardiomyopathy 1AA. Last evaluated: 2017-12-31. Review status: criteria provided, single submitter. Criteria: Invitae Variant Classification Sherloc (09022015). Collection method: clinical testing. Allele origin: germline.
Comment: A gross duplication of the genomic region encompassing the full coding sequence of the ACTN2 gene has been identified. The boundaries of this event are unknown as the duplication extends beyond the assayed region for this gene and therefore may encompass additional genes. As the precise location of this duplication is unknown, it may be in tandem or it may be located elsewhere in the genome. This variant has not been reported in the literature in individuals with an ACTN2-related disease. Experimental studies and prediction algorithms are not available for this variant, and the functional significance of this duplication is currently unknown. The current clinical and genetic evidence is not sufficient to establish whether loss-of-function variants in ACTN2 cause disease. In summary, the exact genomic location of this variant is unknown and the impact of this duplication on ACTN2 protein function has not been established. Therefore, it has been classified as a Variant of Uncertain Significance.

NC_000001.10:g.(?_236849954)_(237551503_?)dup

Genes: ACTN2 (actinin alpha 2; plus strand), MT1HL1 (metallothionein 1H like 1; minus strand), MTR (5-methyltetrahydrofolate-homocysteine methyltransferase; plus strand), RYR2 (ryanodine receptor 2; plus strand). Cytogenetic location: 1q43.
Variant type: Duplication.
Identifiers: ClinVar variation 1041413 (VCV001041413.46).